The following is an entry in ClinVar:

ClinVar aggregate classification (germline): Uncertain significance (1 of 4 stars; one submission).

gnomAD v4.1: 1 of 1,537,258 alleles (0.000065%); no homozygotes.

Submission:

Labcorp Genetics (formerly Invitae), Labcorp
Classification: Uncertain significance. Last evaluated: 2025-03-12. Review status: criteria provided, single submitter. Criteria: Invitae Variant Classification Sherloc (09022015). Collection method: clinical testing. Allele origin: germline.
Comment: This sequence change falls in intron 19 of the RNF213 gene. It does not directly change the encoded amino acid sequence of the RNF213 protein. It affects a nucleotide within the consensus splice site. This variant is not present in population databases (gnomAD no frequency). This variant has not been reported in the literature in individuals affected with RNF213-related conditions. Variants that disrupt the consensus splice site are a relatively common cause of aberrant splicing (PMID: 17576681, 9536098). Algorithms developed to predict the effect of sequence changes on RNA splicing suggest that this variant may disrupt the consensus splice site. In summary, the available evidence is currently insufficient to determine the role of this variant in disease. Therefore, it has been classified as a Variant of Uncertain Significance.

Literature cited by the submitters: PubMed 17576681; PubMed 9536098.

NM_001256071.3(RNF213):c.3367+5G>A

Gene: RNF213 (ring finger protein 213; plus strand). Cytogenetic location: 17q25.3.
Variant type: single nucleotide variant.
Coding change: c.3367+5G>A on transcript NM_001256071.3 (MANE Select); 5 bases into the intron after coding-DNA position 3367, G replaced by A.
Molecular consequence: intron variant.
Genome position (GRCh38, 1-based): chr17:80,327,994, G>A. VCF-style: chr17-80327994-G-A. GRCh37 (hg19) VCF-style: chr17-78301794-G-A.
Other names: c.3514+5G>A (NM_020914.5, NM_001410195.1).
Identifiers: ClinVar variation 4810750 (VCV004810750.1).
Genomic context (GRCh38, chr17:80,327,994, plus strand): 5'-ACAACTGGAGCTGATTATAAAGCACAAGAATCAGTTTCTTGACATCTGGCAACTGAGTAA[G>A]CATCGAGTCGATACGCACTTCAGGCTCCTGAGGCATTAAGTAGCTGGAAGACACGTTTGT-3'